The following is an entry in ClinVar:

NM_001204.7(BMPR2):c.2577T>G (p.Asn859Lys)

Gene: BMPR2 (bone morphogenetic protein receptor type 2; plus strand). Cytogenetic location: 2q33.2.
Variant type: single nucleotide variant.
Coding change: c.2577T>G on transcript NM_001204.7 (MANE Select); coding-DNA position 2577, T replaced by G.
Protein change: p.Asn859Lys; replaces asparagine 859 with lysine.
Molecular consequence: missense variant.
Genome position (GRCh38, 1-based): chr2:202,556,242, T>G. VCF-style: chr2-202556242-T-G. GRCh37 (hg19) VCF-style: chr2-203420965-T-G.
Other names: short protein forms N859K.
Identifiers: ClinVar variation 3824748 (VCV003824748.1).

ClinVar aggregate classification (germline): Uncertain significance (1 of 4 stars; one submission).

Conditions:
Inborn genetic diseases. Identifiers: MedGen C0950123, MeSH D030342.

gnomAD v4.1: 1 of 1,613,686 alleles (0.000062%); highest among the groups gnomAD compares: Non-Finnish European, 0.000085%; no homozygotes.

Submission:

Ambry Genetics
Classification: Uncertain significance for Inborn genetic diseases. Last evaluated: 2024-12-15. Review status: criteria provided, single submitter. Criteria: Ambry Variant Classification Scheme 2023. Collection method: clinical testing. Allele origin: germline.
Comment: The p.N859K variant (also known as c.2577T>G), located in coding exon 12 of the BMPR2 gene, results from a T to G substitution at nucleotide position 2577. The asparagine at codon 859 is replaced by lysine, an amino acid with similar properties. This amino acid position is conserved. In addition, the in silico prediction for this alteration is inconclusive. Based on the available evidence, the clinical significance of this variant remains unclear.